The following is an entry in ClinVar:

ClinVar aggregate classification (germline): Likely benign (1 of 4 stars; one submission).

Conditions:
LEP-related disorder. Also called: LEP-related condition.

Submission:

PreventionGenetics, part of Exact Sciences
Classification: Likely benign for LEP-related condition. Last evaluated: 2025-01-07. Review status: criteria provided, single submitter. Criteria: ACMG Guidelines, 2015. Collection method: clinical testing. Allele origin: germline.
Comment: This variant is classified as likely benign based on ACMG/AMP sequence variant interpretation guidelines (Richards et al. 2015 PMID: 25741868, with internal and published modifications).

NM_000230.3(LEP):c.472C>T (p.Leu158=)

Gene: LEP (leptin; plus strand). Cytogenetic location: 7q32.1.
Variant type: single nucleotide variant.
Coding change: c.472C>T on transcript NM_000230.3 (MANE Select); coding-DNA position 472, C replaced by T.
Protein change: p.Leu158=; no amino-acid change (leucine 158 retained).
Molecular consequence: synonymous variant.
Genome position (GRCh38, 1-based): chr7:128,254,731, C>T. VCF-style: chr7-128254731-C-T. GRCh37 (hg19) VCF-style: chr7-127894784-C-T.
Identifiers: ClinVar variation 4997189 (VCV004997189.1).